The following is an entry in ClinVar:

NM_001018115.3(FANCD2):c.983G>A (p.Arg328Gln)

Genes: FANCD2 (FA complementation group D2; plus strand), LOC107303338 (3p25 FANCD2 Alu-mediated recombination region; plus strand). Cytogenetic location: 3p25.3.
Variant type: single nucleotide variant.
Coding change: c.983G>A on transcript NM_001018115.3 (MANE Select); coding-DNA position 983, G replaced by A.
Protein change: p.Arg328Gln; replaces arginine 328 with glutamine.
Molecular consequence: missense variant.
Genome position (GRCh38, 1-based): chr3:10,043,144, G>A. VCF-style: chr3-10043144-G-A. GRCh37 (hg19) VCF-style: chr3-10084828-G-A.
Other names: c.983G>A, p.Arg328Gln (NM_001319984.2, NM_001374253.1, NM_001374254.1 and 1 more transcripts); short protein forms R328Q.
Identifiers: ClinVar variation 134310 (VCV000134310.43), dbSNP rs35625434, ClinGen allele CA159423.

ClinVar aggregate classification (germline): Benign/Likely benign. Review status: criteria provided, multiple submitters, no conflicts (2 of 4 stars). 13 submissions from 13 submitters: Benign (6); Likely benign (5). 2 of the submissions do not count toward it. Last evaluated 2026-09-01.

Conditions:
Fanconi anemia (FA). Also called: Fanconi's anemia. Identifiers: Orphanet 84, MedGen C0015625, MeSH D005199, MONDO:0019391.
Fanconi anemia complementation group D2. Also called: FANCONI PANCYTOPENIA, TYPE 4; FANCONI ANEMIA, COMPLEMENTATION GROUP D; FANCD2-Related Fanconi Anemia. Identifiers: Orphanet 84, MedGen C3160738, MONDO:0009214, OMIM 227646.

Allele frequency attached by ClinVar (database versions not stated): gnomAD 0.00175 and 0.00124; TOPMed 0.00250; ExAC 0.00395; gnomAD exomes 0.00446; 1000 Genomes Project 0.00599; 1000 Genomes Project 30x 0.00609; ESP Exome Variant Server 0.00023.
gnomAD v4.1: 2,390 of 1,613,774 alleles (0.15%); highest among the groups gnomAD compares: Admixed American, 1.7%; 25 homozygotes.

Submissions (13):

CeGaT Center for Human Genetics Tuebingen
Classification: Likely benign. Last evaluated: 2026-09-01. Review status: criteria provided, single submitter. Criteria: CeGaT Center For Human Genetics Tuebingen Variant Classification Criteria Version 2. Collection method: clinical testing. Allele origin: germline. Affected: yes. Observed: 16 variant alleles.
Comment: FANCD2: BP4

Labcorp Genetics (formerly Invitae), Labcorp
Classification: Benign for Fanconi anemia. Last evaluated: 2026-02-04. Review status: criteria provided, single submitter. Criteria: Invitae Variant Classification Sherloc (09022015). Collection method: clinical testing. Allele origin: germline.

ARUP Laboratories, Molecular Genetics and Genomics, ARUP Laboratories
Classification: Benign for Fanconi anemia complementation group D2. Last evaluated: 2025-04-11. Review status: criteria provided, single submitter. Criteria: ARUP Molecular Germline Variant Investigation Process 2024. Collection method: clinical testing. Allele origin: germline.

KCCC/NGS Laboratory, Kuwait Cancer Control Center
Classification: Benign for Fanconi anemia complementation group D2. Last evaluated: 2023-07-07. Review status: criteria provided, single submitter. Criteria: ACMG Guidelines, 2015. Collection method: clinical testing. Allele origin: germline. Affected: yes.

Fulgent Genetics
Classification: Likely benign for Fanconi anemia complementation group D2. Last evaluated: 2022-05-05. Review status: criteria provided, single submitter. Criteria: ACMG Guidelines, 2015. Collection method: clinical testing. Allele origin: unknown.

Women's Health and Genetics/Laboratory Corporation of America, LabCorp
Classification: Likely benign. Last evaluated: 2021-12-10. Review status: criteria provided, single submitter. Criteria: LabCorp Variant Classification Summary - May 2015. Collection method: clinical testing. Allele origin: germline.

Sema4
Classification: Benign for Fanconi anemia. Last evaluated: 2021-05-06. Review status: criteria provided, single submitter. Criteria: Sema4 Curation Guidelines. Collection method: curation. Allele origin: germline.

Genetic Services Laboratory, University of Chicago
Classification: Benign. Last evaluated: 2020-06-10. Review status: criteria provided, single submitter. Criteria: ACMG Guidelines, 2015. Collection method: clinical testing. Allele origin: germline. Affected: no.

Illumina Laboratory Services, Illumina
Classification: Benign for Fanconi anemia complementation group D2. Last evaluated: 2018-01-13. Review status: criteria provided, single submitter. Criteria: ICSL Variant Classification Criteria 13 December 2019. Collection method: clinical testing. Allele origin: germline.
Comment: This variant was observed in the ICSL laboratory as part of a predisposition screen in an ostensibly healthy population. It had not been previously curated by ICSL or reported in the Human Gene Mutation Database (HGMD: prior to June 1st, 2018), and was therefore a candidate for classification through an automated scoring system. Utilizing variant allele frequency, disease prevalence and penetrance estimates, and inheritance mode, an automated score was calculated to assess if this variant is too frequent to cause the disease. Based on the score and internal cut-off values, a variant classified as benign is not then subjected to further curation. The score for this variant resulted in a classification of benign for this disease.

Center for Pediatric Genomic Medicine, Children's Mercy Hospital and Clinics
Classification: Likely benign. Last evaluated: 2016-10-03. Review status: criteria provided, single submitter. Criteria: ACMG Guidelines, 2015. Collection method: clinical testing. Allele origin: germline.
ClinVar note: Converted during submission from Likely Benign to Likely benign.

Breakthrough Genomics
Classification: Likely benign. Review status: criteria provided, single submitter. Criteria: ACMG Guidelines, 2015. Collection method: not provided. Allele origin: germline. Inheritance: Autosomal recessive inheritance. Affected: yes.

ITMI
No classification provided. Condition: AllHighlyPenetrant. Last evaluated: 2013-09-19. Review status: no classification provided. Collection method: reference population. Allele origin: germline. Not counted in ClinVar's aggregate classification.
Comment: Please see associated publication for description of ethnicities

Department of Pathology and Laboratory Medicine, Sinai Health System
Classification: Benign. Review status: no assertion criteria provided. Collection method: clinical testing. Allele origin: unknown. Affected: yes. Study: The Canadian Open Genetics Repository (COGR). Not counted in ClinVar's aggregate classification.
Comment: The FANCD2 p.Arg328Gln variant was identified in 1 of 48 proband chromosomes (frequency: 0.021) from individuals with Fanconi anemia (Nie_2019). The p.R328Q variant was identified as a heterozygous variant in a patient with multiple primary malignant neoplasms who also carried multiple variants in other cancer genes, including BRCA2 and MLH3 (Wang_2019_PMID:30942098). The variant was identified in dbSNP (ID: rs35625434) and ClinVar (classified as benign by Invitae and likely benign by Center for Pediatric Genomic Medicine, Children's Mercy Hospital and Clinics) but was not identified in Cosmic. The variant was identified in control databases in 1133 of 268136 chromosomes (11 homozygous) at a frequency of 0.004225 increasing the likelihood this could be a low frequency benign variant (Genome Aggregation Database March 6, 2019, v2.1.1, non-cancer). The variant was observed in the following populations: Latino in 711 of 35082 chromosomes (freq: 0.02027), South Asian in 243 of 30516 chromosomes (freq: 0.007963), East Asian in 147 of 19252 chromosomes (freq: 0.007636), Other in 22 of 6696 chromosomes (freq: 0.003286), African in 5 of 23600 chromosomes (freq: 0.000212) and European (non-Finnish) in 5 of 118032 chromosomes (freq: 0.000042), but was not observed in the Ashkenazi Jewish, or European (Finnish) populations. The p.Arg328 residue is not conserved in mammals and computational analyses (PolyPhen-2, SIFT, AlignGVGD, BLOSUM, MutationTaster) do not suggest a high likelihood of impact to the protein; however, this information is not predictive enough to rule out pathogenicity. The variant occurs outside of the splicing consensus sequence and three of four in silico or computational prediction software programs (SpliceSiteFinder, MaxEntScan, NNSPLICE, GeneSplicer) do not predict a greater than 10% difference in splicing; this is not very predictive of pathogenicity. In summary, based on the above information this variant meets our laboratory's criteria to be classified as benign.

Literature cited by the submitters: PubMed 24728327 (cited by ITMI).